The following is an entry in ClinVar:

NM_198968.4(DZIP1):c.685G>A (p.Glu229Lys)

Gene: DZIP1 (DAZ interacting zinc finger protein 1; minus strand). Cytogenetic location: 13q32.1.
Variant type: single nucleotide variant.
Coding change: c.685G>A on transcript NM_198968.4 (MANE Select); coding-DNA position 685, G replaced by A.
Protein change: p.Glu229Lys; replaces glutamic acid 229 with lysine.
Molecular consequence: missense variant.
Genome position (GRCh38, 1-based): chr13:95,633,234, C>T on the plus strand (G>A on the coding strand, the complement: DZIP1 is on the minus strand). VCF-style: chr13-95633234-C-T. GRCh37 (hg19) VCF-style: chr13-96285488-C-T.
Other names: c.685G>A, p.Glu229Lys (NM_014934.5); short protein forms E229K.
Identifiers: ClinVar variation 5040039 (VCV005040039.1).

ClinVar aggregate classification (germline): Uncertain significance (1 of 4 stars; one submission).

Submission:

CeGaT Center for Human Genetics Tuebingen
Classification: Uncertain significance. Last evaluated: 2026-07-01. Review status: criteria provided, single submitter. Criteria: CeGaT Center For Human Genetics Tuebingen Variant Classification Criteria Version 2. Collection method: clinical testing. Allele origin: germline. Affected: yes. Observed: 1 variant allele.
Comment: DZIP1: PM2, BP4